The following is an entry in ClinVar:

ClinVar aggregate classification (germline): Uncertain significance. Review status: criteria provided, multiple submitters, no conflicts (2 of 4 stars). 2 submissions from 2 submitters: Uncertain significance (2). Last evaluated 2026-03-02.

Conditions:
Neonatal-onset encephalopathy with rigidity and seizures. Also called: Lethal neonatal spasticity-epileptic encephalopathy syndrome. Identifiers: Orphanet 435845, MedGen C3281029, MONDO:0013784, OMIM 614498.

Allele frequency attached by ClinVar (database versions not stated): gnomAD exomes below 0.00001; ExAC 0.00001; gnomAD 0.00001; 1000 Genomes Project 30x 0.00016; 1000 Genomes Project 0.00020.

Submissions (2):

GeneDx
Classification: Uncertain significance. Last evaluated: 2026-03-02. Review status: criteria provided, single submitter. Criteria: GeneDx Variant Classification Process June 2021. Collection method: clinical testing. Allele origin: germline.
Comment: Not observed at significant frequency in large population cohorts (gnomAD); In silico analysis suggests that this missense variant does not alter protein structure/function; Has not been previously published as pathogenic or benign to our knowledge

Labcorp Genetics (formerly Invitae), Labcorp
Classification: Uncertain significance for Neonatal-onset encephalopathy with rigidity and seizures. Last evaluated: 2021-02-20. Review status: criteria provided, single submitter. Criteria: Invitae Variant Classification Sherloc (09022015). Collection method: clinical testing. Allele origin: germline.
Comment: This sequence change replaces valine with isoleucine at codon 146 of the BRAT1 protein (p.Val146Ile). The valine residue is moderately conserved and there is a small physicochemical difference between valine and isoleucine. This variant is present in population databases (rs553504175, ExAC 0.01%). This variant has not been reported in the literature in individuals with BRAT1-related conditions. Algorithms developed to predict the effect of missense changes on protein structure and function output the following: SIFT: "Tolerated"; PolyPhen-2: "Benign"; Align-GVGD: "Class C0". The isoleucine amino acid residue is found in multiple mammalian species, suggesting that this missense change does not adversely affect protein function. These predictions have not been confirmed by published functional studies and their clinical significance is uncertain. In summary, the available evidence is currently insufficient to determine the role of this variant in disease. Therefore, it has been classified as a Variant of Uncertain Significance.

NM_152743.4(BRAT1):c.436G>A (p.Val146Ile)

Gene: BRAT1 (BRCA1 associated ATM activator 1; minus strand). Cytogenetic location: 7p22.3.
Variant type: single nucleotide variant.
Coding change: c.436G>A on transcript NM_152743.4 (MANE Select); coding-DNA position 436, G replaced by A.
Protein change: p.Val146Ile; replaces valine 146 with isoleucine.
Molecular consequence: missense variant. On other transcripts: 5 prime UTR variant (1), non-coding transcript variant (1).
Genome position (GRCh38, 1-based): chr7:2,543,957, C>T on the plus strand (G>A on the coding strand, the complement: BRAT1 is on the minus strand). VCF-style: chr7-2543957-C-T. GRCh37 (hg19) VCF-style: chr7-2583591-C-T.
Other names: c.436G>A, p.Val146Ile (NM_001350626.2); c.-90G>A (NM_001350627.2); c.436G>A (NM_152743.3); short protein forms V146I.
Identifiers: ClinVar variation 1410928 (VCV001410928.10), dbSNP rs553504175, ClinGen allele CA4128199.